The following is an entry in ClinVar:

ClinVar aggregate classification (germline): Uncertain significance (1 of 4 stars; one submission).

Submission:

Ambry Genetics
Classification: Uncertain significance. Last evaluated: 2025-10-11. Review status: criteria provided, single submitter. Criteria: Ambry Variant Classification Scheme 2023. Collection method: clinical testing. Allele origin: germline.
Comment: The p.L749P variant (also known as c.2246T>C), located in coding exon 13 of the PKP4 gene, results from a T to C substitution at nucleotide position 2246. The leucine at codon 749 is replaced by proline, an amino acid with similar properties. This amino acid position is conserved. In addition, this alteration is predicted to be deleterious by in silico analysis. Based on the available evidence, the clinical significance of this variant remains unclear.

NM_003628.6(PKP4):c.2246T>C (p.Leu749Pro)

Genes: PKP4 (plakophilin 4; plus strand), PKP4-AS1 (PKP4 antisense RNA 1; minus strand). Cytogenetic location: 2q24.1.
Variant type: single nucleotide variant.
Coding change: c.2246T>C on transcript NM_003628.6 (MANE Select); coding-DNA position 2246, T replaced by C.
Protein change: p.Leu749Pro; replaces leucine 749 with proline.
Molecular consequence: missense variant.
Genome position (GRCh38, 1-based): chr2:158,662,931, T>C. VCF-style: chr2-158662931-T-C. GRCh37 (hg19) VCF-style: chr2-159519443-T-C.
Other names: c.2246T>C, p.Leu749Pro (NM_001005476.4, NM_001304971.2, NM_001377218.1 and 1 more transcripts); c.2243T>C, p.Leu748Pro (NM_001304969.3, NM_001377219.1, NM_001377220.1 and 2 more transcripts); c.1217T>C, p.Leu406Pro (NM_001304970.3); c.2240T>C, p.Leu747Pro (NM_001377222.1, NM_001377223.1); c.2237T>C, p.Leu746Pro (NM_001377224.1); short protein forms L406P, L748P, L749P, L746P, L747P.
Identifiers: ClinVar variation 4568595 (VCV004568595.1).